The following is an entry in ClinVar:

NM_025144.4(ALPK1):c.2893A>T (p.Met965Leu)

Gene: ALPK1 (alpha kinase 1; plus strand). Cytogenetic location: 4q25.
Variant type: single nucleotide variant.
Coding change: c.2893A>T on transcript NM_025144.4 (MANE Select); coding-DNA position 2893, A replaced by T.
Protein change: p.Met965Leu; replaces methionine 965 with leucine.
Molecular consequence: missense variant.
Genome position (GRCh38, 1-based): chr4:112,432,440, A>T. VCF-style: chr4-112432440-A-T. GRCh37 (hg19) VCF-style: chr4-113353596-A-T.
Other names: c.2659A>T, p.Met887Leu (NM_001253884.2); c.2893A>T, p.Met965Leu (NM_001102406.2); short protein forms M887L, M965L.
Identifiers: ClinVar variation 3667274 (VCV003667274.2).

ClinVar aggregate classification (germline): Uncertain significance (1 of 4 stars; one submission).

Submission:

Labcorp Genetics (formerly Invitae), Labcorp
Classification: Uncertain significance. Last evaluated: 2024-10-28. Review status: criteria provided, single submitter. Criteria: Invitae Variant Classification Sherloc (09022015). Collection method: clinical testing. Allele origin: germline.
Comment: This sequence change replaces methionine, which is neutral and non-polar, with leucine, which is neutral and non-polar, at codon 965 of the ALPK1 protein (p.Met965Leu). This variant is not present in population databases (gnomAD no frequency). This variant has not been reported in the literature in individuals affected with ALPK1-related conditions. Invitae Evidence Modeling of protein sequence and biophysical properties (such as structural, functional, and spatial information, amino acid conservation, physicochemical variation, residue mobility, and thermodynamic stability) indicates that this missense variant is not expected to disrupt ALPK1 protein function with a negative predictive value of 80%. In summary, the available evidence is currently insufficient to determine the role of this variant in disease. Therefore, it has been classified as a Variant of Uncertain Significance.